The following is an entry in ClinVar:

ClinVar aggregate classification (germline): Uncertain significance (1 of 4 stars; one submission).

Allele frequency attached by ClinVar (database versions not stated): gnomAD 0.00001; 1000 Genomes Project 30x 0.00016; 1000 Genomes Project 0.00020.
gnomAD v4.1: 12 of 1,612,898 alleles (0.00074%); highest among the groups gnomAD compares: South Asian, 0.013%; no homozygotes.

Submission:

Labcorp Genetics (formerly Invitae), Labcorp
Classification: Uncertain significance. Last evaluated: 2025-02-16. Review status: criteria provided, single submitter. Criteria: Invitae Variant Classification Sherloc (09022015). Collection method: clinical testing. Allele origin: germline.
Comment: This sequence change replaces glutamic acid, which is acidic and polar, with aspartic acid, which is acidic and polar, at codon 66 of the TOPORS protein (p.Glu66Asp). This variant also falls at the last nucleotide of exon 2, which is part of the consensus splice site for this exon. This variant is present in population databases (rs560530251, gnomAD 0.02%). This variant has not been reported in the literature in individuals affected with TOPORS-related conditions. ClinVar contains an entry for this variant (Variation ID: 2015300). An algorithm developed to predict the effect of missense changes on protein structure and function (PolyPhen-2) suggests that this variant is likely to be tolerated. Variants that disrupt the consensus splice site are a relatively common cause of aberrant splicing (PMID: 17576681, 9536098). In summary, the available evidence is currently insufficient to determine the role of this variant in disease. Therefore, it has been classified as a Variant of Uncertain Significance.

Literature cited by the submitters: PubMed 17576681; PubMed 9536098.

NM_005802.5(TOPORS):c.198G>C (p.Glu66Asp)

Gene: TOPORS (TOP1 binding arginine/serine rich protein, E3 ubiquitin ligase; minus strand). Cytogenetic location: 9p21.1.
Variant type: single nucleotide variant.
Coding change: c.198G>C on transcript NM_005802.5 (MANE Select); coding-DNA position 198, G replaced by C.
Protein change: p.Glu66Asp; replaces glutamic acid 66 with aspartic acid.
Molecular consequence: missense variant. On other transcripts: intron variant (1).
Genome position (GRCh38, 1-based): chr9:32,550,774, C>G on the plus strand (G>C on the coding strand, the complement: TOPORS is on the minus strand). VCF-style: chr9-32550774-C-G. GRCh37 (hg19) VCF-style: chr9-32550772-C-G.
Other names: c.3+1660G>C (NM_001195622.2); short protein forms E66D.
Identifiers: ClinVar variation 2015300 (VCV002015300.4), dbSNP rs560530251, ClinGen allele CA5020700.